The following is an entry in ClinVar:

ClinVar aggregate classification (germline): Uncertain significance (1 of 4 stars; one submission).

Conditions:
Hypokalemic periodic paralysis, type 1. Also called: HypoPP; Hypokalemic Periodic Paralysis Type 1 (AD). Identifiers: Orphanet 681, MedGen C3714580, MONDO:0042979, OMIM 170400.
Malignant hyperthermia, susceptibility to, 5 (MHS5). Also called: CACNA1S-Related Malignant Hyperthermia Susceptibility. Identifiers: Orphanet 423, MedGen C1866077, MONDO:0011163, OMIM 601887.

gnomAD v4.1: 1 of 1,613,892 alleles (0.000062%); highest among the groups gnomAD compares: Non-Finnish European, 0.000085%; no homozygotes.

Submission:

Labcorp Genetics (formerly Invitae), Labcorp
Classification: Uncertain significance for Hypokalemic periodic paralysis, type 1; Malignant hyperthermia, susceptibility to, 5. Last evaluated: 2021-11-02. Review status: criteria provided, single submitter. Criteria: Invitae Variant Classification Sherloc (09022015). Collection method: clinical testing. Allele origin: germline.
Comment: Advanced modeling of protein sequence and biophysical properties (such as structural, functional, and spatial information, amino acid conservation, physicochemical variation, residue mobility, and thermodynamic stability) performed at Invitae indicates that this missense variant is not expected to disrupt CACNA1S protein function. This sequence change replaces arginine, which is basic and polar, with glycine, which is neutral and non-polar, at codon 29 of the CACNA1S protein (p.Arg29Gly). This variant is not present in population databases (gnomAD no frequency). This variant has not been reported in the literature in individuals affected with CACNA1S-related conditions. In summary, the available evidence is currently insufficient to determine the role of this variant in disease. Therefore, it has been classified as a Variant of Uncertain Significance.

NM_000069.3(CACNA1S):c.85C>G (p.Arg29Gly)

Gene: CACNA1S (calcium voltage-gated channel subunit alpha1 S; minus strand). Cytogenetic location: 1q32.1.
Variant type: single nucleotide variant.
Coding change: c.85C>G on transcript NM_000069.3 (MANE Select); coding-DNA position 85, C replaced by G.
Protein change: p.Arg29Gly; replaces arginine 29 with glycine.
Molecular consequence: missense variant.
Genome position (GRCh38, 1-based): chr1:201,112,255, G>C on the plus strand (C>G on the coding strand, the complement: CACNA1S is on the minus strand). VCF-style: chr1-201112255-G-C. GRCh37 (hg19) VCF-style: chr1-201081383-G-C.
Other names: short protein forms R29G.
Identifiers: ClinVar variation 1348964 (VCV001348964.6), dbSNP rs577022740, ClinGen allele CA344158162.